The following is an entry in ClinVar:

NM_002087.4(GRN):c.1498G>A (p.Val500Ile)

Gene: GRN (granulin precursor; plus strand). Cytogenetic location: 17q21.31.
Variant type: single nucleotide variant.
Coding change: c.1498G>A on transcript NM_002087.4 (MANE Select); coding-DNA position 1498, G replaced by A.
Protein change: p.Val500Ile; replaces valine 500 with isoleucine.
Molecular consequence: missense variant.
Genome position (GRCh38, 1-based): chr17:44,352,425, G>A. VCF-style: chr17-44352425-G-A. GRCh37 (hg19) VCF-style: chr17-42429793-G-A.
Other names: short protein forms V500I.
Identifiers: ClinVar variation 3383451 (VCV003383451.1).

ClinVar aggregate classification (germline): Uncertain significance (1 of 4 stars; one submission).

gnomAD v4.1: 8 of 1,614,104 alleles (0.0005%); highest among the groups gnomAD compares: East Asian, 0.016%; no homozygotes.

Submission:

GeneDx
Classification: Uncertain significance. Last evaluated: 2024-05-13. Review status: criteria provided, single submitter. Criteria: GeneDx Variant Classification Process June 2021. Collection method: clinical testing. Allele origin: germline. Affected: yes.
Comment: Reported previously in a patient with features of frontotemporal dementia (FTD) and supranuclear palsy (PSP) (PMID: 34631218); Reported previously in a patient with sporadic progressive supranuclear palsy-like syndrome and not detected in controls (PMID: 29339765); Published studies suggest that this variant may affect cellular survival mechanisms (PMID: 34631218); In silico analysis indicates that this missense variant does not alter protein structure/function; This variant is associated with the following publications: (PMID: 29339765, 34631218, 36970912, 33104043)